The following is an entry in ClinVar:

NC_000018.9:g.(?_45368198)_(45375078_?)del

Gene: SMAD2 (SMAD family member 2; minus strand). Cytogenetic location: 18q21.1.
Variant type: Deletion.
Identifiers: ClinVar variation 2425435 (VCV002425435.4).

ClinVar aggregate classification (germline): Uncertain significance (1 of 4 stars; one submission).

Submission:

Labcorp Genetics (formerly Invitae), Labcorp
Classification: Uncertain significance. Last evaluated: 2022-01-28. Review status: criteria provided, single submitter. Criteria: Invitae Variant Classification Sherloc (09022015). Collection method: clinical testing. Allele origin: germline.
Comment: In summary, the available evidence is currently insufficient to determine the role of this variant in disease. Therefore, it has been classified as a Variant of Uncertain Significance. A similar copy number variant has been observed in individual(s) with clinical features of SMAD2-related conditions (Invitae). This variant is a gross deletion of the genomic region encompassing exon(s) 8-11 of the SMAD2 gene, which includes the termination codon. This deletion extends beyond the assayed region for this gene and therefore may encompass additional genes. While this deletion is not anticipated to lead to nonsense mediated decay, it is expected to alter mRNA translation or result in a truncated protein product.